The following is an entry in ClinVar:

ClinVar aggregate classification (germline): Likely benign. Review status: criteria provided, single submitter (1 of 4 stars). 2 submissions from 2 submitters: Likely benign (1). 1 of the submissions does not count toward it. Last evaluated 2025-03-07.

Conditions:
PIEZO1-related disorder. Also called: PIEZO1-related condition; PIEZO1-Related Disorders.

Allele frequency attached by ClinVar (database versions not stated): TOPMed 0.00002; gnomAD 0.00001.
gnomAD v4.1: 13 of 1,548,840 alleles (0.00084%); highest among the groups gnomAD compares: Admixed American, 0.024%; no homozygotes.

Submissions (2):

ARUP Laboratories, Molecular Genetics and Genomics, ARUP Laboratories
Classification: Likely benign. Last evaluated: 2025-03-07. Review status: criteria provided, single submitter. Criteria: ARUP Molecular Germline Variant Investigation Process 2024. Collection method: clinical testing. Allele origin: germline.

PreventionGenetics, part of Exact Sciences
Classification: Likely benign for PIEZO1-related condition. Last evaluated: 2019-03-22. Review status: no assertion criteria provided. Collection method: clinical testing. Allele origin: germline. Not counted in ClinVar's aggregate classification.
Comment: This variant is classified as likely benign based on ACMG/AMP sequence variant interpretation guidelines (Richards et al. 2015 PMID: 25741868, with internal and published modifications).

NM_001142864.4(PIEZO1):c.2460G>A (p.Leu820=)

Genes: PIEZO1 (piezo type mechanosensitive ion channel component 1 (Er blood group); minus strand), HSALR1 (HSP90AB1 associated lncRNA 1; plus strand). Cytogenetic location: 16q24.3.
Variant type: single nucleotide variant.
Coding change: c.2460G>A on transcript NM_001142864.4 (MANE Select); coding-DNA position 2460, G replaced by A.
Protein change: p.Leu820=; no amino-acid change (leucine 820 retained).
Molecular consequence: synonymous variant.
Genome position (GRCh38, 1-based): chr16:88,733,615, C>T on the plus strand (G>A on the coding strand, the complement: PIEZO1 is on the minus strand). VCF-style: chr16-88733615-C-T. GRCh37 (hg19) VCF-style: chr16-88800023-C-T.
Other names: c.1002G>A, p.Leu334= (NM_014745.1); c.2460G>A (NM_001142864.3).
Identifiers: ClinVar variation 2920920 (VCV002920920.4), dbSNP rs1244973921, ClinGen allele CA497366440.